The following is an entry in ClinVar:

ClinVar aggregate classification (germline): Uncertain significance (1 of 4 stars; one submission).

gnomAD v4.1: 1 of 1,614,010 alleles (0.000062%); highest among the groups gnomAD compares: Non-Finnish European, 0.000085%; no homozygotes.

Submission:

Labcorp Genetics (formerly Invitae), Labcorp
Classification: Uncertain significance. Last evaluated: 2022-07-30. Review status: criteria provided, single submitter. Criteria: Invitae Variant Classification Sherloc (09022015). Collection method: clinical testing. Allele origin: germline.
Comment: This sequence change replaces proline, which is neutral and non-polar, with serine, which is neutral and polar, at codon 321 of the RELA protein (p.Pro321Ser). This variant is not present in population databases (gnomAD no frequency). This variant has not been reported in the literature in individuals affected with RELA-related conditions. Algorithms developed to predict the effect of missense changes on protein structure and function (SIFT, PolyPhen-2, Align-GVGD) all suggest that this variant is likely to be tolerated. In summary, the available evidence is currently insufficient to determine the role of this variant in disease. Therefore, it has been classified as a Variant of Uncertain Significance.

NM_021975.4(RELA):c.961C>T (p.Pro321Ser)

Gene: RELA (RELA proto-oncogene, NF-kB subunit; minus strand). Cytogenetic location: 11q13.1.
Variant type: single nucleotide variant.
Coding change: c.961C>T on transcript NM_021975.4 (MANE Select); coding-DNA position 961, C replaced by T.
Protein change: p.Pro321Ser; replaces proline 321 with serine.
Molecular consequence: missense variant.
Genome position (GRCh38, 1-based): chr11:65,655,760, G>A on the plus strand (C>T on the coding strand, the complement: RELA is on the minus strand). VCF-style: chr11-65655760-G-A. GRCh37 (hg19) VCF-style: chr11-65423231-G-A.
Other names: c.643C>T, p.Pro215Ser (NM_001404660.1); c.580C>T, p.Pro194Ser (NM_001404661.1); c.868C>T, p.Pro290Ser (NM_001404662.1, NM_001404663.1); c.952C>T, p.Pro318Ser (NM_001145138.2); c.961C>T, p.Pro321Ser (NM_001243984.2, NM_001243985.2); c.994C>T, p.Pro332Ser (NM_001404657.1); c.934C>T, p.Pro312Ser (NM_001404658.1); c.748C>T, p.Pro250Ser (NM_001404659.1); short protein forms P194S, P215S, P290S, P250S, P312S, P332S, P318S, P321S.
Identifiers: ClinVar variation 1965417 (VCV001965417.5), dbSNP rs999556978, ClinGen allele CA381389478.